The following is an entry in ClinVar:

ClinVar aggregate classification (germline): Uncertain significance (1 of 4 stars; one submission).

Submission:

GeneDx
Classification: Uncertain significance. Last evaluated: 2025-04-03. Review status: criteria provided, single submitter. Criteria: GeneDx Variant Classification Process June 2021. Collection method: clinical testing. Allele origin: germline. Affected: yes.
Comment: Not observed at significant frequency in large population cohorts (gnomAD); In silico analysis supports that this missense variant has a deleterious effect on protein structure/function; In silico analysis suggests this variant may impact gene splicing. In the absence of RNA/functional studies, the actual effect of this sequence change is unknown; Has not been previously published as pathogenic or benign to our knowledge

NM_000807.4(GABRA2):c.374A>G (p.Asp125Gly)

Gene: GABRA2 (gamma-aminobutyric acid type A receptor subunit alpha2; minus strand). Cytogenetic location: 4p12.
Variant type: single nucleotide variant.
Coding change: c.374A>G on transcript NM_000807.4 (MANE Select); coding-DNA position 374, A replaced by G.
Protein change: p.Asp125Gly; replaces aspartic acid 125 with glycine.
Molecular consequence: missense variant.
Genome position (GRCh38, 1-based): chr4:46,312,598, T>C on the plus strand (A>G on the coding strand, the complement: GABRA2 is on the minus strand). VCF-style: chr4-46312598-T-C. GRCh37 (hg19) VCF-style: chr4-46314615-T-C.
Other names: c.374A>G, p.Asp125Gly (NM_001114175.3, NM_001330690.2, NM_001377144.1 and 8 more transcripts); c.209A>G, p.Asp70Gly (NM_001286827.3, NM_001377152.1, NM_001377153.1 and 1 more transcripts); short protein forms D125G, D70G.
Identifiers: ClinVar variation 4278519 (VCV004278519.1).